The following is an entry in ClinVar:

NM_004541.4(NDUFA1):c.35T>C (p.Met12Thr)

Genes: NDUFA1 (NADH:ubiquinone oxidoreductase subunit A1; plus strand), LOC130068621 (ATAC-STARR-seq lymphoblastoid active region 29902; plus strand). Cytogenetic location: Xq24.
Variant type: single nucleotide variant.
Coding change: c.35T>C on transcript NM_004541.4 (MANE Select); coding-DNA position 35, T replaced by C.
Protein change: p.Met12Thr; replaces methionine 12 with threonine.
Molecular consequence: missense variant.
Genome position (GRCh38, 1-based): chrX:119,871,946, T>C. VCF-style: chrX-119871946-T-C. GRCh37 (hg19) VCF-style: chrX-119005909-T-C.
Other names: short protein forms M12T.
Identifiers: ClinVar variation 2007196 (VCV002007196.4), dbSNP rs2521610344, ClinGen allele CA414190073.

ClinVar aggregate classification (germline): Uncertain significance (1 of 4 stars; one submission).

Submission:

Labcorp Genetics (formerly Invitae), Labcorp
Classification: Uncertain significance. Last evaluated: 2021-11-27. Review status: criteria provided, single submitter. Criteria: Invitae Variant Classification Sherloc (09022015). Collection method: clinical testing. Allele origin: germline.
Comment: Algorithms developed to predict the effect of missense changes on protein structure and function (SIFT, PolyPhen-2, Align-GVGD) all suggest that this variant is likely to be disruptive. In summary, the available evidence is currently insufficient to determine the role of this variant in disease. Therefore, it has been classified as a Variant of Uncertain Significance. This variant has not been reported in the literature in individuals affected with NDUFA1-related conditions. This variant is not present in population databases (gnomAD no frequency). This sequence change replaces methionine, which is neutral and non-polar, with threonine, which is neutral and polar, at codon 12 of the NDUFA1 protein (p.Met12Thr).